The following is an entry in ClinVar:

ClinVar aggregate classification (germline): Uncertain significance (1 of 4 stars; one submission).

Conditions:
Familial sleep-related hypermotor epilepsy. Also called: Autosomal Dominant Sleep-Related Hypermotor (Hyperkinetic) Epilepsy. Identifiers: Orphanet 98784, MedGen C3696898, MONDO:0000030.

gnomAD v4.1: 26 of 1,612,506 alleles (0.0016%); highest among the groups gnomAD compares: South Asian, 0.022%; 2 homozygotes.

Submission:

Labcorp Genetics (formerly Invitae), Labcorp
Classification: Uncertain significance. Last evaluated: 2021-07-21. Review status: criteria provided, single submitter. Criteria: Invitae Variant Classification Sherloc (09022015). Collection method: clinical testing. Allele origin: germline.
Comment: This sequence change replaces valine with phenylalanine at codon 609 of the CHRNA4 protein (p.Val609Phe). The valine residue is highly conserved and there is a small physicochemical difference between valine and phenylalanine. This variant is present in population databases (rs201168195, ExAC 0.04%). This variant has not been reported in the literature in individuals with CHRNA4-related conditions. Algorithms developed to predict the effect of missense changes on protein structure and function are either unavailable or do not agree on the potential impact of this missense change (SIFT: "Deleterious"; PolyPhen-2: "Probably Damaging"; Align-GVGD: "Class C0"). In summary, the available evidence is currently insufficient to determine the role of this variant in disease. Therefore, it has been classified as a Variant of Uncertain Significance.

NM_000744.7(CHRNA4):c.1825G>T (p.Val609Phe)

Gene: CHRNA4 (cholinergic receptor nicotinic alpha 4 subunit; minus strand). Cytogenetic location: 20q13.33.
Variant type: single nucleotide variant.
Coding change: c.1825G>T on transcript NM_000744.7 (MANE Select); coding-DNA position 1825, G replaced by T.
Protein change: p.Val609Phe; replaces valine 609 with phenylalanine.
Molecular consequence: missense variant. On other transcripts: non-coding transcript variant (1).
Genome position (GRCh38, 1-based): chr20:63,346,797, C>A on the plus strand (G>T on the coding strand, the complement: CHRNA4 is on the minus strand). VCF-style: chr20-63346797-C-A. GRCh37 (hg19) VCF-style: chr20-61978149-C-A.
Other names: c.1297G>T, p.Val433Phe (NM_001256573.2); short protein forms V433F, V609F.
Identifiers: ClinVar variation 1375403 (VCV001375403.8), dbSNP rs201168195, ClinGen allele CA9957486.